The following is an entry in ClinVar:

NM_002303.6(LEPR):c.2017T>C (p.Leu673=)

Genes: LEPR (leptin receptor; plus strand), LOC122094844 (Sharpr-MPRA regulatory region 5730; plus strand). Cytogenetic location: 1p31.3.
Variant type: single nucleotide variant.
Coding change: c.2017T>C on transcript NM_002303.6 (MANE Select); coding-DNA position 2017, T replaced by C.
Protein change: p.Leu673=; no amino-acid change (leucine 673 retained).
Molecular consequence: synonymous variant.
Genome position (GRCh38, 1-based): chr1:65,616,029, T>C. VCF-style: chr1-65616029-T-C. GRCh37 (hg19) VCF-style: chr1-66081712-T-C.
Other names: c.2017T>C, p.Leu673= (NM_001003679.3, NM_001003680.3, NM_001198687.2 and 2 more transcripts).
Identifiers: ClinVar variation 4981611 (VCV004981611.1).

ClinVar aggregate classification (germline): Likely benign (1 of 4 stars; one submission).

Conditions:
LEPR-related disorder. Also called: LEPR-related disorders; LEPR-related condition.

gnomAD v4.1: 37 of 1,614,022 alleles (0.0023%); highest among the groups gnomAD compares: Non-Finnish European, 0.003%; no homozygotes.

Submission:

PreventionGenetics, part of Exact Sciences
Classification: Likely benign for LEPR-related condition. Last evaluated: 2025-11-06. Review status: criteria provided, single submitter. Criteria: ACMG Guidelines, 2015. Collection method: clinical testing. Allele origin: germline.
Comment: This variant is classified as likely benign based on ACMG/AMP sequence variant interpretation guidelines (Richards et al. 2015 PMID: 25741868, with internal and published modifications).